The following is an entry in ClinVar:

NM_006086.4(TUBB3):c.742G>A (p.Ala248Thr)

Gene: TUBB3 (tubulin beta 3 class III; plus strand). Cytogenetic location: 16q24.3.
Variant type: single nucleotide variant.
Coding change: c.742G>A on transcript NM_006086.4 (MANE Select); coding-DNA position 742, G replaced by A.
Protein change: p.Ala248Thr; replaces alanine 248 with threonine.
Molecular consequence: missense variant.
Genome position (GRCh38, 1-based): chr16:89,935,193, G>A. VCF-style: chr16-89935193-G-A. GRCh37 (hg19) VCF-style: chr16-90001601-G-A.
Other names: c.526G>A, p.Ala176Thr (NM_001197181.2); short protein forms A176T, A248T.
Identifiers: ClinVar variation 4076822 (VCV004076822.1).

ClinVar aggregate classification (germline): Uncertain significance (1 of 4 stars; one submission).

gnomAD v4.1: 1 of 1,613,802 alleles (0.000062%); highest among the groups gnomAD compares: Non-Finnish European, 0.000085%; no homozygotes.

Submission:

GeneDx
Classification: Uncertain significance. Last evaluated: 2025-02-19. Review status: criteria provided, single submitter. Criteria: GeneDx Variant Classification Process June 2021. Collection method: clinical testing. Allele origin: germline. Affected: yes.
Comment: Not observed at significant frequency in large population cohorts (gnomAD); In silico analysis indicates that this missense variant does not alter protein structure/function; Missense variants in this gene are a common cause of disease and they are underrepresented in the general population; Has not been previously published as pathogenic or benign to our knowledge; This variant is associated with the following publications: (PMID: 20829227)